The following is an entry in ClinVar:

ClinVar aggregate classification (germline): Likely benign. Review status: criteria provided, multiple submitters, no conflicts (2 of 4 stars). 3 submissions from 3 submitters: Likely benign (3). Last evaluated 2025-04-07.

Conditions:
Hereditary cancer-predisposing syndrome. Also called: Hereditary Cancer Syndrome; Tumor predisposition; Neoplastic Syndromes, Hereditary; Hereditary neoplastic syndrome. Identifiers: Orphanet 140162, MedGen C0027672, MeSH D009386, MONDO:0015356.
Peutz-Jeghers syndrome (PJS). Also called: Peutz-Jeghers polyposis; Periorificial lentiginosis syndrome; POLYPOSIS, HAMARTOMATOUS INTESTINAL; POLYPS-AND-SPOTS SYNDROME. Identifiers: Orphanet 2869, MedGen C0031269, MeSH D010580, MONDO:0008280, OMIM 175200.

Allele frequency attached by ClinVar (database versions not stated): gnomAD exomes below 0.00001; TOPMed below 0.00001.
gnomAD v4.1: 5 of 1,601,920 alleles (0.00031%); highest among the groups gnomAD compares: Non-Finnish European, 0.00043%; no homozygotes.

Submissions (3):

Labcorp Genetics (formerly Invitae), Labcorp
Classification: Likely benign for Peutz-Jeghers syndrome. Last evaluated: 2025-04-07. Review status: criteria provided, single submitter. Criteria: Invitae Variant Classification Sherloc (09022015). Collection method: clinical testing. Allele origin: germline.

Color Diagnostics, LLC DBA Color Health
Classification: Likely benign for Hereditary cancer-predisposing syndrome. Last evaluated: 2019-03-25. Review status: criteria provided, single submitter. Criteria: ACMG Guidelines, 2015. Collection method: clinical testing. Allele origin: germline.

GeneDx
Classification: Likely benign. Last evaluated: 2017-05-01. Review status: criteria provided, single submitter. Criteria: GeneDx Variant Classification (06012015). Collection method: clinical testing. Allele origin: germline. Affected: yes.
Comment: This variant is considered likely benign or benign based on one or more of the following criteria: it is a conservative change, it occurs at a poorly conserved position in the protein, it is predicted to be benign by multiple in silico algorithms, and/or has population frequency not consistent with disease.

NM_000455.5(STK11):c.1108+18C>G

Genes: STK11 (serine/threonine kinase 11; plus strand), LOC130062899 (ATAC-STARR-seq lymphoblastoid active region 13597; plus strand). Cytogenetic location: 19p13.3.
Variant type: single nucleotide variant.
Coding change: c.1108+18C>G on transcript NM_000455.5 (MANE Select); 18 bases into the intron after coding-DNA position 1108, C replaced by G.
Molecular consequence: intron variant.
Genome position (GRCh38, 1-based): chr19:1,223,190, C>G. VCF-style: chr19-1223190-C-G. GRCh37 (hg19) VCF-style: chr19-1223189-C-G.
Identifiers: ClinVar variation 509327 (VCV000509327.11), dbSNP rs1160511142, ClinGen allele CA658799096.